The following is an entry in ClinVar:

ClinVar aggregate classification (germline): Likely pathogenic (1 of 4 stars; one submission).

Submission:

Mayo Clinic Laboratories, Mayo Clinic
Classification: Likely pathogenic. Last evaluated: 2022-10-07. Review status: criteria provided, single submitter. Criteria: ACMG Guidelines, 2015. Collection method: clinical testing. Allele origin: germline. Observed: 1 variant allele.
Comment: PM2, PVS1

Literature cited by the submitters: PubMed 32596782.

NM_000037.4(ANK1):c.5401G>T (p.Glu1801Ter)

Gene: ANK1 (ankyrin 1; minus strand). Cytogenetic location: 8p11.21.
Variant type: single nucleotide variant.
Coding change: c.5401G>T on transcript NM_000037.4 (MANE Select); coding-DNA position 5401, G replaced by T.
Protein change: p.Glu1801Ter; replaces glutamic acid 1801 with a stop codon.
Molecular consequence: nonsense.
Genome position (GRCh38, 1-based): chr8:41,663,736, C>A on the plus strand (G>T on the coding strand, the complement: ANK1 is on the minus strand). VCF-style: chr8-41663736-C-A. GRCh37 (hg19) VCF-style: chr8-41521254-C-A.
Other names: p.Glu1801*; c.226G>T, p.Glu76Ter (NM_001142445.2, NM_020478.5, NM_020480.5); c.5524G>T, p.Glu1842Ter (NM_001142446.2); c.5401G>T, p.Glu1801Ter (NM_020475.3, NM_020476.3); c.4915G>T, p.Glu1639Ter (NM_020477.3); short protein forms E1639*, E1801*, E1842*, E76*.
Identifiers: ClinVar variation 2683354 (VCV002683354.1), dbSNP rs2487561666, ClinGen allele CA371048132.